The following is an entry in ClinVar:

ClinVar aggregate classification (germline): Pathogenic (1 of 4 stars; one submission).

Submission:

Labcorp Genetics (formerly Invitae), Labcorp
Classification: Pathogenic. Last evaluated: 2022-10-24. Review status: criteria provided, single submitter. Criteria: Invitae Variant Classification Sherloc (09022015). Collection method: clinical testing. Allele origin: germline.
Comment: This premature translational stop signal has been observed in individual(s) with clinical features of choroideremia (Invitae). In at least one individual the variant was observed to be de novo. For these reasons, this variant has been classified as Pathogenic. ClinVar contains an entry for this variant (Variation ID: 1459764). This variant is not present in population databases (gnomAD no frequency). This sequence change creates a premature translational stop signal (p.Glu592Valfs*44) in the CHM gene. While this is not anticipated to result in nonsense mediated decay, it is expected to disrupt the last 62 amino acid(s) of the CHM protein.

NM_000390.4(CHM):c.1775_1814del (p.Glu592fs)

Gene: CHM (CHM Rab escort protein; minus strand). Cytogenetic location: Xq21.2.
Variant type: Deletion.
Coding change: c.1775_1814del on transcript NM_000390.4 (MANE Select); coding-DNA positions 1775 to 1814, 40 bases deleted.
Protein change: p.Glu592fs; shifts the reading frame from glutamic acid 592.
Molecular consequence: frameshift variant.
Genome position (GRCh38, 1-based): chrX:85,864,778-85,864,817, 40 bases deleted; deleting any 40 consecutive bases within chrX:85,864,778-85,864,820 gives the same sequence; the c. name uses the placement nearest the transcript's 3' end. GRCh37 (hg19): chrX:85,119,786-85,119,825.
Other names: c.1331_1370del, p.Glu444fs (NM_001320959.1, NM_001362517.1, NM_001362518.2 and 1 more transcripts); short protein forms E592fs, E444fs.
Identifiers: ClinVar variation 1459764 (VCV001459764.8), dbSNP rs2148112023, ClinGen allele CA2573159634.
Genomic context (GRCh38, chrX:85,864,777, plus strand): 5'-AGCCTCTGGCTGTAAACTGTCTCCATCAAGGATAATGTCTTCAGGATTTGGTGGAGGGGG[ACAGAAATCTTCATTGGGGCAGATTTCCTGGAAAAGTGTTT>A]CAGCCTGGCCAAGGAAGAAAAGATAAAATCGTTTTTGGAAATCGGTTTAAAATGTGTGTG-3'